The following is an entry in ClinVar:

ClinVar aggregate classification (germline): Conflicting classifications of pathogenicity. Review status: criteria provided, conflicting classifications (1 of 4 stars). 3 submissions from 3 submitters: Uncertain significance (2); Likely benign (1). Last evaluated 2024-11-28.

Allele frequency attached by ClinVar (database versions not stated): gnomAD 0.00002; gnomAD exomes 0.00002; TOPMed 0.00002.
gnomAD v4.1: 121 of 1,488,256 alleles (0.0081%); highest among the groups gnomAD compares: Non-Finnish European, 0.01%; no homozygotes.

Submissions (3):

Blueprint Genetics
Classification: Uncertain significance. Last evaluated: 2024-11-28. Review status: criteria provided, single submitter. Criteria: ACMG Guidelines, 2015. Collection method: clinical testing. Allele origin: germline.

Labcorp Genetics (formerly Invitae), Labcorp
Classification: Uncertain significance. Last evaluated: 2021-12-03. Review status: criteria provided, single submitter. Criteria: Invitae Variant Classification Sherloc (09022015). Collection method: clinical testing. Allele origin: germline.
Comment: This sequence change replaces glutamic acid, which is acidic and polar, with aspartic acid, which is acidic and polar, at codon 390 of the TYMP protein (p.Glu390Asp). This variant is present in population databases (no rsID available, gnomAD 0.007%). This variant has not been reported in the literature in individuals affected with TYMP-related conditions. ClinVar contains an entry for this variant (Variation ID: 215326). Advanced modeling of protein sequence and biophysical properties (such as structural, functional, and spatial information, amino acid conservation, physicochemical variation, residue mobility, and thermodynamic stability) performed at Invitae indicates that this missense variant is not expected to disrupt TYMP protein function. In summary, the available evidence is currently insufficient to determine the role of this variant in disease. Therefore, it has been classified as a Variant of Uncertain Significance.

GeneDx
Classification: Likely benign. Last evaluated: 2013-09-13. Review status: criteria provided, single submitter. Criteria: GeneDx Variant Classification (06012015). Collection method: clinical testing. Allele origin: germline. Affected: yes.
Comment: This variant is considered likely benign or benign based on one or more of the following criteria: it is a conservative change, it occurs at a poorly conserved position in the protein, it is predicted to be benign by multiple in silico algorithms, and/or has population frequency not consistent with disease.

NM_001953.5(TYMP):c.1170G>C (p.Glu390Asp)

Genes: SCO2 (synthesis of cytochrome C oxidase 2; minus strand), TYMP (thymidine phosphorylase; minus strand), LOC130067862 (ATAC-STARR-seq lymphoblastoid silent region 13986; plus strand). Cytogenetic location: 22q13.33.
Variant type: single nucleotide variant.
Coding change: c.1170G>C on transcript NM_001953.5 (MANE Select); coding-DNA position 1170, G replaced by C.
Protein change: p.Glu390Asp; replaces glutamic acid 390 with aspartic acid.
Molecular consequence: missense variant. On other transcripts: 5 prime UTR variant (1), intron variant (1).
Genome position (GRCh38, 1-based): chr22:50,526,131, C>G on the plus strand (G>C on the coding strand, the complement: TYMP is on the minus strand). VCF-style: chr22-50526131-C-G. GRCh37 (hg19) VCF-style: chr22-50964560-C-G.
Other names: c.1170G>C, p.Glu390Asp (NM_001113755.3, NM_001113756.3, NM_001257988.1); c.1185G>C, p.Glu395Asp (NM_001257989.1); c.-144G>C (NM_001169110.1); c.-14+115G>C (NM_001169109.2); short protein forms E390D, E395D.
Identifiers: ClinVar variation 215326 (VCV000215326.6), dbSNP rs863224248, ClinGen allele CA322868.